The following is an entry in ClinVar:

NM_153240.5(NPHP3):c.2497G>C (p.Glu833Gln)

Genes: NPHP3 (nephrocystin 3; minus strand), NPHP3-ACAD11 (NPHP3-ACAD11 readthrough (NMD candidate); minus strand). Cytogenetic location: 3q22.1.
Variant type: single nucleotide variant.
Coding change: c.2497G>C on transcript NM_153240.5 (MANE Select); coding-DNA position 2497, G replaced by C.
Protein change: p.Glu833Gln; replaces glutamic acid 833 with glutamine.
Molecular consequence: missense variant. On other transcripts: non-coding transcript variant (1).
Genome position (GRCh38, 1-based): chr3:132,691,265, C>G on the plus strand (G>C on the coding strand, the complement: NPHP3 is on the minus strand). VCF-style: chr3-132691265-C-G. GRCh37 (hg19) VCF-style: chr3-132410109-C-G.
Other names: c.2497G>C (NM_153240.4); short protein forms E833Q.
Identifiers: ClinVar variation 999580 (VCV000999580.8), dbSNP rs142084136, ClinGen allele CA2621994.

ClinVar aggregate classification (germline): Conflicting classifications of pathogenicity. Review status: criteria provided, conflicting classifications (1 of 4 stars). 4 submissions from 4 submitters: Uncertain significance (3); Benign (1). Last evaluated 2026-01-12.

Conditions:
Inborn genetic diseases. Identifiers: MedGen C0950123, MeSH D030342.
Nephronophthisis. Also called: Juvenile Nephronophthisis. Identifiers: Orphanet 655, MedGen C0687120, MONDO:0019005, HP:0000090.
NPHP3-related Meckel-like syndrome. Also called: Meckel syndrome type 7; GOLDSTON SYNDROME. Identifiers: Orphanet 3032, MedGen C2673885, MONDO:0009966, OMIM 267010.
Nephronophthisis 3 (NPHP3). Also called: Adolescent nephronophthisis. Identifiers: Orphanet 655, MedGen C1858392, MONDO:0011456, OMIM 604387.
Renal-hepatic-pancreatic dysplasia 1 (RHPD1). Identifiers: MedGen C3715199, MONDO:0008833, OMIM 208540.

Allele frequency attached by ClinVar (database versions not stated): ESP Exome Variant Server 0.00008; TOPMed 0.00008; gnomAD 0.00009 and 0.00010; gnomAD exomes 0.00017; ExAC 0.00031.
gnomAD v4.1: 252 of 1,612,764 alleles (0.016%); highest among the groups gnomAD compares: Non-Finnish European, 0.02%; no homozygotes.

Submissions (4):

Labcorp Genetics (formerly Invitae), Labcorp
Classification: Uncertain significance for Nephronophthisis. Last evaluated: 2026-01-12. Review status: criteria provided, single submitter. Criteria: Invitae Variant Classification Sherloc (09022015). Collection method: clinical testing. Allele origin: germline.
Comment: This sequence change replaces glutamic acid, which is acidic and polar, with glutamine, which is neutral and polar, at codon 833 of the NPHP3 protein (p.Glu833Gln). This variant is present in population databases (rs142084136, gnomAD 0.03%). This variant has not been reported in the literature in individuals affected with NPHP3-related conditions. ClinVar contains an entry for this variant (Variation ID: 999580). Invitae Evidence Modeling of protein sequence and biophysical properties (such as structural, functional, and spatial information, amino acid conservation, physicochemical variation, residue mobility, and thermodynamic stability) has been performed for this missense variant. However, the output from this modeling did not meet the statistical confidence thresholds required to predict the impact of this variant on NPHP3 protein function. In summary, the available evidence is currently insufficient to determine the role of this variant in disease. Therefore, it has been classified as a Variant of Uncertain Significance.

Blueprint Genetics
Classification: Benign. Last evaluated: 2024-09-06. Review status: criteria provided, single submitter. Criteria: ACMG Guidelines, 2015. Collection method: clinical testing. Allele origin: germline.

Fulgent Genetics
Classification: Uncertain significance for Renal-hepatic-pancreatic dysplasia 1; NPHP3-related Meckel-like syndrome; Nephronophthisis 3. Last evaluated: 2024-04-30. Review status: criteria provided, single submitter. Criteria: ACMG Guidelines, 2015. Collection method: clinical testing. Allele origin: germline.

Ambry Genetics
Classification: Uncertain significance for Inborn genetic diseases. Last evaluated: 2021-09-16. Review status: criteria provided, single submitter. Criteria: Ambry Variant Classification Scheme 2023. Collection method: clinical testing. Allele origin: germline.